The following is an entry in ClinVar:

NM_003907.3(EIF2B5):c.792delinsACA (p.Phe264fs)

Gene: EIF2B5 (eukaryotic translation initiation factor 2B subunit epsilon; plus strand). Cytogenetic location: 3q27.1.
Variant type: Indel.
Coding change: c.792delinsACA on transcript NM_003907.3 (MANE Select); coding-DNA position 792, T replaced by ACA.
Protein change: p.Phe264fs; shifts the reading frame from phenylalanine 264.
Molecular consequence: frameshift variant.
Genome position (GRCh38, 1-based): chr3:184,140,106, T replaced by ACA. VCF-style: chr3-184140106-T-ACA. GRCh37 (hg19) VCF-style: chr3-183857894-T-ACA.
Other names: short protein forms F264fs.
Identifiers: ClinVar variation 2782153 (VCV002782153.3), dbSNP rs113994056, ClinGen allele CA88840900.

ClinVar aggregate classification (germline): Pathogenic (1 of 4 stars; one submission).

Submission:

Labcorp Genetics (formerly Invitae), Labcorp
Classification: Pathogenic. Last evaluated: 2023-09-15. Review status: criteria provided, single submitter. Criteria: Invitae Variant Classification Sherloc (09022015). Collection method: clinical testing. Allele origin: germline.
Comment: This sequence change creates a premature translational stop signal (p.Phe264Leufs*15) in the EIF2B5 gene. It is expected to result in an absent or disrupted protein product. Loss-of-function variants in EIF2B5 are known to be pathogenic (PMID: 11704758, 15060152, 21307862). Information on the frequency of this variant in the gnomAD database is not available, as this variant may be reported differently in the database. This premature translational stop signal has been observed in individual(s) with leukoencephalopathy with vanishing white matter (PMID: 11704758). For these reasons, this variant has been classified as Pathogenic.

Literature cited by the submitters: PubMed 11704758; PubMed 15060152; PubMed 21307862.